The following is an entry in ClinVar:

ClinVar aggregate classification (germline): Likely benign. Review status: criteria provided, multiple submitters, no conflicts (2 of 4 stars). 2 submissions from 2 submitters: Likely benign (2). Last evaluated 2023-10-13.

Conditions:
Long QT syndrome (LQTS). Identifiers: MedGen C0023976, MeSH D008133, MONDO:0002442. Disease mechanism: loss of function. Inheritance: Various modes of inheritance.

Allele frequency attached by ClinVar (database versions not stated): TOPMed 0.00001.

Submissions (2):

Labcorp Genetics (formerly Invitae), Labcorp
Classification: Likely benign for Long QT syndrome. Last evaluated: 2023-10-13. Review status: criteria provided, single submitter. Criteria: Invitae Variant Classification Sherloc (09022015). Collection method: clinical testing. Allele origin: germline.

All of Us Research Program, National Institutes of Health
Classification: Likely benign for Long QT syndrome. Last evaluated: 2023-05-16. Review status: criteria provided, single submitter. Criteria: ACMG Guidelines, 2015. Collection method: clinical testing. Allele origin: germline. Inheritance: Autosomal dominant inheritance. Observed: 1 variant allele, 1 heterozygote.
Comment: This study involves interpretation of variants in research participants for the purpose of population health screening. Participant phenotype was not available at the time of variant classification. Additional details can be found in publication PMID: 35346344, PMCID: PMC8962531

NM_000238.4(KCNH2):c.1788C>G (p.Pro596=)

Gene: KCNH2 (potassium voltage-gated channel subfamily H member 2; minus strand). Cytogenetic location: 7q36.1.
Variant type: single nucleotide variant.
Coding change: c.1788C>G on transcript NM_000238.4 (MANE Select); coding-DNA position 1788, C replaced by G.
Protein change: p.Pro596=; no amino-acid change (proline 596 retained).
Molecular consequence: synonymous variant. On other transcripts: non-coding transcript variant (2).
Genome position (GRCh38, 1-based): chr7:150,951,605, G>C on the plus strand (C>G on the coding strand, the complement: KCNH2 is on the minus strand). VCF-style: chr7-150951605-G-C. GRCh37 (hg19) VCF-style: chr7-150648693-G-C.
Other names: c.768C>G, p.Pro256= (NM_001204798.2, NM_172057.3); c.1500C>G, p.Pro500= (NM_001406753.1, NM_001406756.1); c.1611C>G, p.Pro537= (NM_001406755.1); c.1488C>G, p.Pro496= (NM_001406757.1); c.1788C>G, p.Pro596= (NM_172056.3).
Identifiers: ClinVar variation 1082910 (VCV001082910.11), dbSNP rs1801166919, ClinGen allele CA458871530.